The following is an entry in ClinVar:

NM_182493.3(MYLK3):c.1061G>A (p.Gly354Asp)

Gene: MYLK3 (myosin light chain kinase 3; minus strand). Cytogenetic location: 16q11.2.
Variant type: single nucleotide variant.
Coding change: c.1061G>A on transcript NM_182493.3 (MANE Select); coding-DNA position 1061, G replaced by A.
Protein change: p.Gly354Asp; replaces glycine 354 with aspartic acid.
Molecular consequence: missense variant.
Genome position (GRCh38, 1-based): chr16:46,732,609, C>T on the plus strand (G>A on the coding strand, the complement: MYLK3 is on the minus strand). VCF-style: chr16-46732609-C-T. GRCh37 (hg19) VCF-style: chr16-46766521-C-T.
Other names: c.1061G>A (NM_182493.2); c.38G>A, p.Gly13Asp (NM_001308301.1); short protein forms G13D, G354D.
Identifiers: ClinVar variation 3013220 (VCV003013220.4), dbSNP rs536547926, ClinGen allele CA8038082.
Genomic context (GRCh38, chr16:46,732,609, plus strand): 5'-CCCTGCTTGCCTGGCTGGGCAGCTGCTGGAGCCTCTGTGGTGAGGGTGGGTCCAAGGCTG[C>T]CCCTGCCTGTCATCAGCATCTCCCCAGGAGTATCCATCTCTTGTATGTGGATGGAGATCC-3'
Protein context (NP_872299.2, residues 344-364): TPGEMLMTGR[Gly354Asp]SLGPTLTTEA

ClinVar aggregate classification (germline): Uncertain significance. Review status: criteria provided, multiple submitters, no conflicts (2 of 4 stars). 2 submissions from 2 submitters: Uncertain significance (2). Last evaluated 2025-04-17.

Allele frequency attached by ClinVar (database versions not stated): ExAC 0.00004; gnomAD exomes 0.00001.
gnomAD v4.1: 20 of 1,576,080 alleles (0.0013%); highest among the groups gnomAD compares: South Asian, 0.021%; no homozygotes.

Submissions (2):

Labcorp Genetics (formerly Invitae), Labcorp
Classification: Uncertain significance. Last evaluated: 2025-04-17. Review status: criteria provided, single submitter. Criteria: Invitae Variant Classification Sherloc (09022015). Collection method: clinical testing. Allele origin: germline.
Comment: This sequence change replaces glycine, which is neutral and non-polar, with aspartic acid, which is acidic and polar, at codon 354 of the MYLK3 protein (p.Gly354Asp). This variant is present in population databases (rs536547926, gnomAD 0.03%). This variant has not been reported in the literature in individuals affected with MYLK3-related conditions. ClinVar contains an entry for this variant (Variation ID: 3013220). An algorithm developed to predict the effect of missense changes on protein structure and function outputs the following: PolyPhen-2: "Benign". The aspartic acid amino acid residue is found in multiple mammalian species, which suggests that this missense change does not adversely affect protein function. In summary, the available evidence is currently insufficient to determine the role of this variant in disease. Therefore, it has been classified as a Variant of Uncertain Significance.

Ambry Genetics
Classification: Uncertain significance. Last evaluated: 2024-02-13. Review status: criteria provided, single submitter. Criteria: Ambry Variant Classification Scheme 2023. Collection method: clinical testing. Allele origin: germline.